The following is an entry in ClinVar:

ClinVar aggregate classification (germline): Uncertain significance. Review status: criteria provided, multiple submitters, no conflicts (2 of 4 stars). 2 submissions from 2 submitters: Uncertain significance (2). Last evaluated 2024-04-10.

Conditions:
Familial hypocalciuric hypercalcemia (FHH). Also called: Familial benign hypercalcemia. Identifiers: Orphanet 405, MedGen C1809471, MONDO:0018458.
Autosomal dominant hypocalcemia 1 (HYPOC1). Also called: HYPOCALCEMIA, FAMILIAL. Identifiers: MedGen C3715128, MONDO:0011013, OMIM 601198.
Nephrolithiasis/nephrocalcinosis. Identifiers: MedGen CN580796.

Allele frequency attached by ClinVar (database versions not stated): gnomAD exomes below 0.00001; TOPMed below 0.00001.
gnomAD v4.1: 2 of 1,614,120 alleles (0.00012%); highest among the groups gnomAD compares: African/African-American, 0.0027%; no homozygotes.

Submissions (2):

Labcorp Genetics (formerly Invitae), Labcorp
Classification: Uncertain significance for Familial hypocalciuric hypercalcemia; Autosomal dominant hypocalcemia 1. Last evaluated: 2024-04-10. Review status: criteria provided, single submitter. Criteria: Invitae Variant Classification Sherloc (09022015). Collection method: clinical testing. Allele origin: germline.
Comment: This sequence change replaces aspartic acid, which is acidic and polar, with glutamic acid, which is acidic and polar, at codon 500 of the CASR protein (p.Asp500Glu). This variant is present in population databases (rs200240922, gnomAD 0.007%). This variant has not been reported in the literature in individuals affected with CASR-related conditions. ClinVar contains an entry for this variant (Variation ID: 463905). An algorithm developed to predict the effect of missense changes on protein structure and function (PolyPhen-2) suggests that this variant is likely to be disruptive. In summary, the available evidence is currently insufficient to determine the role of this variant in disease. Therefore, it has been classified as a Variant of Uncertain Significance.

Ambry Genetics
Classification: Uncertain significance for Nephrolithiasis/nephrocalcinosis. Last evaluated: 2022-10-02. Review status: criteria provided, single submitter. Criteria: Ambry Variant Classification Scheme 2023. Collection method: clinical testing. Allele origin: germline.
Comment: The p.D500E variant (also known as c.1500T>A), located in coding exon 4 of the CASR gene, results from a T to A substitution at nucleotide position 1500. The aspartic acid at codon 500 is replaced by glutamic acid, an amino acid with highly similar properties. This amino acid position is conserved. In addition, the in silico prediction for this alteration is inconclusive. Since supporting evidence is limited at this time, the clinical significance of this alteration remains unclear.

NM_000388.4(CASR):c.1500T>A (p.Asp500Glu)

Gene: CASR (calcium sensing receptor; plus strand). Cytogenetic location: 3q21.1.
Variant type: single nucleotide variant.
Coding change: c.1500T>A on transcript NM_000388.4 (MANE Select); coding-DNA position 1500, T replaced by A.
Protein change: p.Asp500Glu; replaces aspartic acid 500 with glutamic acid.
Molecular consequence: missense variant.
Genome position (GRCh38, 1-based): chr3:122,275,934, T>A. VCF-style: chr3-122275934-T-A. GRCh37 (hg19) VCF-style: chr3-121994781-T-A.
Other names: c.1500T>A, p.Asp500Glu (NM_001178065.2); short protein forms D500E.
Identifiers: ClinVar variation 463905 (VCV000463905.12), dbSNP rs200240922, ClinGen allele CA82745972.
Genomic context (GRCh38, chr3:122,275,934, plus strand): 5'-TGAGTGTGGTGACCTGGTGGGGAACTATTCCATCATCAACTGGCACCTCTCCCCAGAGGA[T>A]GGCTCCATCGTGTTTAAGGAAGTCGGGTATTACAACGTCTATGCCAAGAAGGGAGAAAGA-3'
Protein context (NP_000379.3, residues 490-510): SIINWHLSPE[Asp500Glu]GSIVFKEVGY